The following is an entry in ClinVar:

NM_001377.3(DYNC2H1):c.7924dup (p.Arg2642fs)

Gene: DYNC2H1 (dynein cytoplasmic 2 heavy chain 1; plus strand). Cytogenetic location: 11q22.3.
Variant type: Duplication.
Coding change: c.7924dup on transcript NM_001377.3 (MANE Select); coding-DNA position 7924, one base duplicated (A; older notation c.7924dupA).
Protein change: p.Arg2642fs; shifts the reading frame from arginine 2642.
Molecular consequence: frameshift variant.
Genome position (GRCh38, 1-based): chr11:103,199,312, A duplicated. VCF-style (leftmost placement, unchanged base first): chr11-103199311-T-TA. GRCh37 (hg19) VCF-style: chr11-103070040-T-TA.
Other names: c.7924dup, p.Arg2642fs (NM_001080463.2); short protein forms R2642fs.
Identifiers: ClinVar variation 5014535 (VCV005014535.1).
Genomic context (GRCh38, chr11:103,199,311, plus strand): 5'-TAACCAGAATTTAGACATTTTACTTTTCCACGAAGTCTTGGAGTATATGTCTAGGATAGA[T>TA]AGAGTGCTGAGTTTCCCTGGAGGTTCACTTCTATTAGCAGGACGCAGTGGTGTAGGTCGT-3'

ClinVar aggregate classification (germline): Pathogenic (1 of 4 stars; one submission).

Conditions:
Asphyxiating thoracic dystrophy 3. Also called: SHORT-RIB THORACIC DYSPLASIA 3 WITH OR WITHOUT POLYDACTYLY; POLYDACTYLY WITH NEONATAL CHONDRODYSTROPHY, TYPE I; SHORT-RIB THORACIC DYSPLASIA 3/6 WITH POLYDACTYLY, DIGENIC; Short rib polydactyly syndrome 2B; Saldino-Noonan Syndrome. Identifiers: Orphanet 474, Orphanet 93269, Orphanet 93270, Orphanet 93271, MedGen C0036069, MONDO:0013127, OMIM 613091.

Submission:

Myriad Genetics, Inc.
Classification: Pathogenic for Asphyxiating thoracic dystrophy 3. Last evaluated: 2025-05-28. Review status: criteria provided, single submitter. Criteria: Myriad Autosomal Dominant, Autosomal Recessive and X-Linked Classification Criteria (2023). Collection method: clinical testing. Allele origin: unknown.
Comment: NM_001377.2(DYNC2H1):c.7924dupA(R2642Kfs*45) is expected to be pathogenic in the context of DYNC2H1-related disorders. This variant is predicted to lead to an abnormal or absent protein product due to the creation of a premature termination codon in DYNC2H1, a gene where loss-of-function variants are known to be pathogenic. Please note: this variant was assessed in the context of healthy population screening.